The following is an entry in ClinVar:

ClinVar aggregate classification (germline): Likely pathogenic (1 of 4 stars; one submission).

Conditions:
Hereditary spastic paraplegia 54. Also called: Spastic paraplegia 54, autosomal recessive. Identifiers: Orphanet 320380, MedGen C3539495, MONDO:0014018, OMIM 615033.

Allele frequency attached by ClinVar (database versions not stated): gnomAD exomes below 0.00001.

Submission:

Molecular Genetics, Royal Melbourne Hospital
Classification: Likely pathogenic for Hereditary spastic paraplegia 54. Last evaluated: 2023-06-06. Review status: criteria provided, single submitter. Criteria: ACMG Guidelines, 2015. Collection method: clinical testing. Allele origin: germline. Inheritance: Autosomal recessive inheritance.
Comment: This sequence change in DDHD2 is a frameshift variant predicted to cause a premature stop codon, p.(Asp631*), in biologically relevant exon 15/18 leading to nonsense-mediated decay in a gene in which loss-of-function is an established disease mechanism (PMID: 23176823, 23486545). This variant is absent from the population database gnomAD v2.1 and v3.1. To our knowledge, this variant is novel and has not been previously reported in the relevant scientific literature or databases. Based on the classification scheme RMH Modified ACMG Guidelines v1.5.1, this variant is classified as LIKELY PATHOGENIC. Following criteria are met: PVS1, PM2_Supporting.

Literature cited by the submitters: PubMed 23176823; PubMed 23486545.

NM_015214.3(DDHD2):c.1887_1890dup (p.Asp631Ter)

Gene: DDHD2 (DDHD domain containing 2; plus strand). Cytogenetic location: 8p11.23.
Variant type: Duplication.
Coding change: c.1887_1890dup on transcript NM_015214.3 (MANE Select); coding-DNA positions 1887 to 1890, 4 bases duplicated (TAGT; older notation c.1887_1890dupTAGT).
Protein change: p.Asp631Ter; replaces aspartic acid 631 with a stop codon.
Molecular consequence: nonsense. On other transcripts: non-coding transcript variant (2).
Genome position (GRCh38, 1-based): chr8:38,253,123-38,253,126, TAGT duplicated. VCF-style (leftmost placement, unchanged base first): chr8-38253122-C-CTAGT. GRCh37 (hg19) VCF-style: chr8-38110640-C-CTAGT.
Other names: c.1887_1890dup, p.Asp631Ter (NM_001164232.2, NM_001362911.2, NM_001362912.2 and 1 more transcripts); c.1797_1800dup, p.Asp601Ter (NM_001362913.2); c.1887_1890dupTAGT (NM_015214.3); short protein forms D601*, D631*.
Identifiers: ClinVar variation 3068647 (VCV003068647.1), dbSNP rs2486993028, ClinGen allele CA2580610839.